The following is an entry in ClinVar:

NM_004364.5(CEBPA):c.807C>G (p.Ser269Arg)

Gene: CEBPA (CCAAT enhancer binding protein alpha; minus strand). Cytogenetic location: 19q13.11.
Variant type: single nucleotide variant.
Coding change: c.807C>G on transcript NM_004364.5 (MANE Select); coding-DNA position 807, C replaced by G.
Protein change: p.Ser269Arg; replaces serine 269 with arginine.
Molecular consequence: missense variant.
Genome position (GRCh38, 1-based): chr19:33,301,608, G>C on the plus strand (C>G on the coding strand, the complement: CEBPA is on the minus strand). VCF-style: chr19-33301608-G-C. GRCh37 (hg19) VCF-style: chr19-33792514-G-C.
Other names: c.450C>G, p.Ser150Arg (NM_001285829.2); c.912C>G, p.Ser304Arg (NM_001287424.2); c.765C>G, p.Ser255Arg (NM_001287435.2); short protein forms S150R, S255R, S269R, S304R.
Identifiers: ClinVar variation 4225041 (VCV004225041.1).
Genomic context (GRCh38, chr19:33,301,608, plus strand): 5'-GCGCCGCACCCGGTACTCGTTGCTGTTCTTGTCCACCGACTTCTTGGCCTTGCCCGCGCC[G>C]CTGCCGCCACTCGCGCGGAGGTCGGGGTGCGCGGCGCCCAGCCCCTTGAGCGCGCTGCCA-3'
Protein context (NP_004355.2, residues 259-279): AHPDLRASGG[Ser269Arg]GAGKAKKSVD

ClinVar aggregate classification (germline): Uncertain significance (1 of 4 stars; one submission).

Conditions:
Inborn genetic diseases. Identifiers: MedGen C0950123, MeSH D030342.

Submission:

Ambry Genetics
Classification: Uncertain significance for Inborn genetic diseases. Last evaluated: 2025-07-25. Review status: criteria provided, single submitter. Criteria: Ambry Variant Classification Scheme 2023. Collection method: clinical testing. Allele origin: germline.
Comment: The p.S269R variant (also known as c.807C>G), located in coding exon 1 of the CEBPA gene, results from a C to G substitution at nucleotide position 807. The serine at codon 269 is replaced by arginine, an amino acid with dissimilar properties. This amino acid position is conserved. In addition, this alteration is predicted to be tolerated by in silico analysis. Based on the available evidence, the clinical significance of this variant remains unclear.